The following is an entry in ClinVar:

NM_001048166.1(STIL):c.3061C>T (p.His1021Tyr)

Gene: STIL (STIL centriolar assembly protein; minus strand). Cytogenetic location: 1p33.
Variant type: single nucleotide variant.
Coding change: c.3061C>T on transcript NM_001048166.1 (MANE Select); coding-DNA position 3061, C replaced by T.
Protein change: p.His1021Tyr; replaces histidine 1021 with tyrosine.
Molecular consequence: missense variant.
Genome position (GRCh38, 1-based): chr1:47,260,308, G>A on the plus strand (C>T on the coding strand, the complement: STIL is on the minus strand). VCF-style: chr1-47260308-G-A. GRCh37 (hg19) VCF-style: chr1-47725980-G-A.
Other names: c.3058C>T, p.His1020Tyr (NM_001282936.1, NM_003035.2); c.3007C>T, p.His1003Tyr (NM_001282937.1); c.2920C>T, p.His974Tyr (NM_001282938.1, NM_001377417.1); c.2866C>T, p.His956Tyr (NM_001282939.1); short protein forms H1003Y, H1021Y, H956Y, H1020Y, H974Y.
Identifiers: ClinVar variation 874795 (VCV000874795.5), dbSNP rs199558457, ClinGen allele CA842044.
Genomic context (GRCh38, chr1:47,260,308, plus strand): 5'-TAAAATTTATTCACTCTTTAAAACAAAATTTTAAAAGTTACCTGGCGTGATCCACGTTAT[G>A]TGCATTTTTCTTCACTTTAGTGGGAGAATCAATTTTTACTCCAAGGCTTCTTAGTTGCTT-3'
Protein context (NP_001041631.1, residues 1011-1031): DSPTKVKKNA[His1021Tyr]NVDHASVLAC

ClinVar aggregate classification (germline): Conflicting classifications of pathogenicity. Review status: criteria provided, conflicting classifications (1 of 4 stars). 2 submissions from 2 submitters: Uncertain significance (1); Likely benign (1). Last evaluated 2024-09-20.

Conditions:
Microcephaly 7, primary, autosomal recessive. Identifiers: Orphanet 2512, MedGen C2675187, MONDO:0012989, OMIM 612703.

Allele frequency attached by ClinVar (database versions not stated): gnomAD 0.00004; TOPMed 0.00004; 1000 Genomes Project 30x 0.00016; gnomAD exomes 0.00016; 1000 Genomes Project 0.00020; ExAC 0.00021.
gnomAD v4.1: 128 of 1,613,986 alleles (0.0079%); highest among the groups gnomAD compares: East Asian, 0.27%; no homozygotes.

Submissions (2):

3billion
Classification: Likely benign for Microcephaly 7, primary, autosomal recessive. Last evaluated: 2024-09-20. Review status: criteria provided, single submitter. Criteria: ACMG Guidelines, 2015. Collection method: clinical testing. Allele origin: germline. Affected: no.
Comment: The homozygous variant was found in patients diagnosed with another variant in a different gene, with no symptoms related to the gene containing the homozygous variant.

Illumina Laboratory Services, Illumina
Classification: Uncertain significance for Microcephaly 7, primary, autosomal recessive. Last evaluated: 2018-01-12. Review status: criteria provided, single submitter. Criteria: ICSL Variant Classification Criteria 13 December 2019. Collection method: clinical testing. Allele origin: germline.